The following is an entry in ClinVar:

ClinVar aggregate classification (germline): Uncertain significance (1 of 4 stars; one submission).

Conditions:
Neurofibromatosis, type 1 (NF1). Also called: VON RECKLINGHAUSEN DISEASE; Neurofibromatosis, type I; Peripheral type neurofibromatosis; NEUROFIBROMATOSIS, TYPE I, SOMATIC. Identifiers: Orphanet 636, MedGen C0027831, MONDO:0018975, OMIM 162200. Disease mechanism: loss of function.

Submission:

Labcorp Genetics (formerly Invitae), Labcorp
Classification: Uncertain significance for Neurofibromatosis, type 1. Last evaluated: 2023-04-11. Review status: criteria provided, single submitter. Criteria: Invitae Variant Classification Sherloc (09022015). Collection method: clinical testing. Allele origin: germline.
Comment: Advanced modeling of protein sequence and biophysical properties (such as structural, functional, and spatial information, amino acid conservation, physicochemical variation, residue mobility, and thermodynamic stability) performed at Invitae indicates that this missense variant is expected to disrupt NF1 protein function. This variant has not been reported in the literature in individuals affected with NF1-related conditions. This variant is not present in population databases (gnomAD no frequency). This sequence change replaces aspartic acid, which is acidic and polar, with tyrosine, which is neutral and polar, at codon 2074 of the NF1 protein (p.Asp2074Tyr). In summary, the available evidence is currently insufficient to determine the role of this variant in disease. Therefore, it has been classified as a Variant of Uncertain Significance.

NM_001042492.3(NF1):c.6283G>T (p.Asp2095Tyr)

Gene: NF1 (neurofibromin 1; plus strand). Cytogenetic location: 17q11.2.
Variant type: single nucleotide variant.
Coding change: c.6283G>T on transcript NM_001042492.3 (MANE Select); coding-DNA position 6283, G replaced by T.
Protein change: p.Asp2095Tyr; replaces aspartic acid 2095 with tyrosine.
Molecular consequence: missense variant.
Genome position (GRCh38, 1-based): chr17:31,336,770, G>T. VCF-style: chr17-31336770-G-T. GRCh37 (hg19) VCF-style: chr17-29663788-G-T.
Other names: c.6220G>T, p.Asp2074Tyr (NM_000267.4); short protein forms D2074Y, D2095Y.
Identifiers: ClinVar variation 2854956 (VCV002854956.3), dbSNP rs1254820959, ClinGen allele CA399012204.